The following is an entry in ClinVar:

NM_000397.4(CYBB):c.234C>A (p.Phe78Leu)

Gene: CYBB (cytochrome b-245 beta chain; plus strand). Cytogenetic location: Xp21.1.
Variant type: single nucleotide variant.
Coding change: c.234C>A on transcript NM_000397.4 (MANE Select); coding-DNA position 234, C replaced by A.
Protein change: p.Phe78Leu; replaces phenylalanine 78 with leucine.
Molecular consequence: missense variant.
Genome position (GRCh38, 1-based): chrX:37,783,582, C>A. VCF-style: chrX-37783582-C-A. GRCh37 (hg19) VCF-style: chrX-37642835-C-A.
Other names: short protein forms F78L.
Identifiers: ClinVar variation 4802177 (VCV004802177.1).
Genomic context (GRCh38, chrX:37,783,582, plus strand): 5'-CTGCCTGAATTTCAACTGCATGCTGATTCTCTTGCCAGTCTGTCGAAATCTGCTGTCCTT[C>A]CTCAGGGGTTCCAGTGCGGTAAGAGAAAATGTTTTACTAAGTTCCTCTAATTTTCAAAGG-3'
Protein context (NP_000388.2, residues 68-88): LLPVCRNLLS[Phe78Leu]LRGSSACCST

ClinVar aggregate classification (germline): Uncertain significance (1 of 4 stars; one submission).

Conditions:
Granulomatous disease, chronic, X-linked. Also called: CYTOCHROME b-NEGATIVE GRANULOMATOUS DISEASE, CHRONIC, X-LINKED; GRANULOMATOUS DISEASE, CHRONIC, X-LINKED, SOMATIC MOSAIC. Identifiers: Orphanet 379, MedGen C1844376, MONDO:0010600, OMIM 306400.

gnomAD v4.1: 4 of 1,194,872 alleles (0.00033%); highest among the groups gnomAD compares: Non-Finnish European, 0.00045%; no homozygotes.

Submission:

Labcorp Genetics (formerly Invitae), Labcorp
Classification: Uncertain significance for Granulomatous disease, chronic, X-linked. Last evaluated: 2026-01-05. Review status: criteria provided, single submitter. Criteria: Invitae Variant Classification Sherloc (09022015). Collection method: clinical testing. Allele origin: germline.
Comment: This sequence change replaces phenylalanine, which is neutral and non-polar, with leucine, which is neutral and non-polar, at codon 78 of the CYBB protein (p.Phe78Leu). This variant is not present in population databases (gnomAD no frequency). This variant has not been reported in the literature in individuals affected with CYBB-related conditions. Invitae Evidence Modeling of protein sequence and biophysical properties (such as structural, functional, and spatial information, amino acid conservation, physicochemical variation, residue mobility, and thermodynamic stability) indicates that this missense variant is not expected to disrupt CYBB protein function with a negative predictive value of 80%. In summary, the available evidence is currently insufficient to determine the role of this variant in disease. Therefore, it has been classified as a Variant of Uncertain Significance.